The following is an entry in ClinVar:

ClinVar aggregate classification (germline): Uncertain significance (0 of 4 stars; one submission).

Conditions:
SEMA3C-related disorder. Also called: SEMA3C-related condition.

gnomAD v4.1: 1 of 1,606,094 alleles (0.000062%); highest among the groups gnomAD compares: Non-Finnish European, 0.000085%; no homozygotes.

Submission:

PreventionGenetics, part of Exact Sciences
Classification: Uncertain significance for SEMA3C-related condition. Last evaluated: 2023-11-20. Review status: no assertion criteria provided. Collection method: clinical testing. Allele origin: germline.
Comment: The SEMA3C c.621A>G variant is predicted to result in the amino acid substitution p.Ile207Met. To our knowledge, this variant has not been reported in the literature or in a large population database, indicating this variant is rare. At this time, the clinical significance of this variant is uncertain due to the absence of conclusive functional and genetic evidence.

NM_006379.5(SEMA3C):c.567A>G (p.Ile189Met)

Gene: SEMA3C (semaphorin 3C; minus strand). Cytogenetic location: 7q21.11.
Variant type: single nucleotide variant.
Coding change: c.567A>G on transcript NM_006379.5 (MANE Select); coding-DNA position 567, A replaced by G.
Protein change: p.Ile189Met; replaces isoleucine 189 with methionine.
Molecular consequence: missense variant.
Genome position (GRCh38, 1-based): chr7:80,805,730, T>C on the plus strand (A>G on the coding strand, the complement: SEMA3C is on the minus strand). VCF-style: chr7-80805730-T-C. GRCh37 (hg19) VCF-style: chr7-80435046-T-C.
Other names: c.621A>G, p.Ile207Met (NM_001350120.2); c.393A>G, p.Ile131Met (NM_001350121.2); short protein forms I131M, I189M, I207M.
Identifiers: ClinVar variation 3350030 (VCV003350030.1).
Genomic context (GRCh38, chr7:80,805,730, plus strand): 5'-TCTGACCGCATTCCTCTTGGTTAAACTTCGAAAAATAGCAGCATCTGTCCCCATGAAATC[T>C]ATATACATTCCAGAGAAAAGCTCCTCATCTATGAAAAAGAAAATATCAATGAAATGTAAA-3'
Protein context (NP_006370.1, residues 179-199): INEELFSGMY[Ile189Met]DFMGTDAAIF